The following is an entry in ClinVar:

NM_144687.4(NLRP12):c.1388C>T (p.Ser463Phe)

Gene: NLRP12 (NLR family pyrin domain containing 12; minus strand). Cytogenetic location: 19q13.42.
Variant type: single nucleotide variant.
Coding change: c.1388C>T on transcript NM_144687.4 (MANE Select); coding-DNA position 1388, C replaced by T.
Protein change: p.Ser463Phe; replaces serine 463 with phenylalanine.
Molecular consequence: missense variant.
Genome position (GRCh38, 1-based): chr19:53,810,271, G>A on the plus strand (C>T on the coding strand, the complement: NLRP12 is on the minus strand). VCF-style: chr19-53810271-G-A. GRCh37 (hg19) VCF-style: chr19-54313525-G-A.
Other names: c.1388C>T, p.Ser463Phe (NM_001277126.2, NM_001277129.1); short protein forms S463F.
Identifiers: ClinVar variation 964335 (VCV000964335.9), dbSNP rs2092043514, ClinGen allele CA407413641.
Genomic context (GRCh38, chr19:53,810,271, plus strand): 5'-TTCCGGAGGTCCTGCTCCTCAAATAGGATTTTCTGATTCCAGAGCCCATCTGCCGCCAAG[G>A]AGCACAACCCTCTCTGGTTGGGTGGGGGCTGGAGGCGCGGGGCCCCCGGCTTGGGTTGCA-3'
Protein context (NP_653288.1, residues 453-473): QPPPNQRGLC[Ser463Phe]LAADGLWNQK

ClinVar aggregate classification (germline): Uncertain significance (1 of 4 stars; one submission).

Conditions:
Familial cold autoinflammatory syndrome 2 (FCAS2). Identifiers: Orphanet 247868, MedGen C2673198, MONDO:0012724, OMIM 611762.

Allele frequency attached by ClinVar (database versions not stated): gnomAD exomes below 0.00001; gnomAD 0.00001; TOPMed 0.00001.
gnomAD v4.1: 5 of 1,613,940 alleles (0.00031%); highest among the groups gnomAD compares: Non-Finnish European, 0.00042%; no homozygotes.

Submission:

Labcorp Genetics (formerly Invitae), Labcorp
Classification: Uncertain significance for Familial cold autoinflammatory syndrome 2. Last evaluated: 2020-02-28. Review status: criteria provided, single submitter. Criteria: Invitae Variant Classification Sherloc (09022015). Collection method: clinical testing. Allele origin: germline.
Comment: This sequence change replaces serine with phenylalanine at codon 463 of the NLRP12 protein (p.Ser463Phe). The serine residue is highly conserved and there is a large physicochemical difference between serine and phenylalanine. This variant is not present in population databases (ExAC no frequency). This variant has not been reported in the literature in individuals with NLRP12-related conditions. Algorithms developed to predict the effect of missense changes on protein structure and function are either unavailable or do not agree on the potential impact of this missense change (SIFT: "Deleterious"; PolyPhen-2: "Probably Damaging"; Align-GVGD: "Class C15"). In summary, the available evidence is currently insufficient to determine the role of this variant in disease. Therefore, it has been classified as a Variant of Uncertain Significance.